The following is an entry in ClinVar:

ClinVar aggregate classification (germline): Likely benign (1 of 4 stars; one submission).

Submission:

CeGaT Center for Human Genetics Tuebingen
Classification: Likely benign. Last evaluated: 2026-03-01. Review status: criteria provided, single submitter. Criteria: CeGaT Center For Human Genetics Tuebingen Variant Classification Criteria Version 2. Collection method: clinical testing. Allele origin: germline. Affected: yes. Observed: 1 variant allele.
Comment: AKT1: BP4, BP7

NM_001382430.1(AKT1):c.1050C>T (p.Tyr350=)

Gene: AKT1 (AKT serine/threonine kinase 1; minus strand). Cytogenetic location: 14q32.33.
Variant type: single nucleotide variant.
Coding change: c.1050C>T on transcript NM_001382430.1 (MANE Select); coding-DNA position 1050, C replaced by T.
Protein change: p.Tyr350=; no amino-acid change (tyrosine 350 retained).
Molecular consequence: synonymous variant.
Genome position (GRCh38, 1-based): chr14:104,773,000, G>A on the plus strand (C>T on the coding strand, the complement: AKT1 is on the minus strand). VCF-style: chr14-104773000-G-A. GRCh37 (hg19) VCF-style: chr14-105239337-G-A.
Other names: c.1050C>T, p.Tyr350= (NM_001014431.2, NM_001014432.2, NM_001382431.1 and 3 more transcripts).
Identifiers: ClinVar variation 4821608 (VCV004821608.4).